The following is an entry in ClinVar:

NM_005876.5(SPEG):c.8061C>G (p.Pro2687=)

Genes: ASIC4-AS1 (ASIC4 antisense RNA 1; minus strand), SPEG (striated muscle enriched protein kinase; plus strand). Cytogenetic location: 2q35.
Variant type: single nucleotide variant.
Coding change: c.8061C>G on transcript NM_005876.5 (MANE Select); coding-DNA position 8061, C replaced by G.
Protein change: p.Pro2687=; no amino-acid change (proline 2687 retained).
Molecular consequence: synonymous variant.
Genome position (GRCh38, 1-based): chr2:219,488,812, C>G. VCF-style: chr2-219488812-C-G. GRCh37 (hg19) VCF-style: chr2-220353534-C-G.
Other names: c.8061C>G (NM_005876.4).
Identifiers: ClinVar variation 1613182 (VCV001613182.10), dbSNP rs370374797, ClinGen allele CA2127380.

ClinVar aggregate classification (germline): Likely benign. Review status: criteria provided, multiple submitters, no conflicts (2 of 4 stars). 3 submissions from 3 submitters: Likely benign (3). Last evaluated 2025-10-21.

Conditions:
SPEG-related disorder. Also called: SPEG-related condition.

Allele frequency attached by ClinVar (database versions not stated): gnomAD exomes 0.00005 and 0.00008; gnomAD 0.00006; TOPMed 0.00006; ESP Exome Variant Server 0.00008; ExAC 0.00013.
gnomAD v4.1: 125 of 1,597,756 alleles (0.0078%); highest among the groups gnomAD compares: Non-Finnish European, 0.011%; no homozygotes.

Submissions (3):

Labcorp Genetics (formerly Invitae), Labcorp
Classification: Likely benign. Last evaluated: 2025-10-21. Review status: criteria provided, single submitter. Criteria: Invitae Variant Classification Sherloc (09022015). Collection method: clinical testing. Allele origin: germline.

PreventionGenetics, part of Exact Sciences
Classification: Likely benign for SPEG-related condition. Last evaluated: 2025-02-14. Review status: criteria provided, single submitter. Criteria: ACMG Guidelines, 2015. Collection method: clinical testing. Allele origin: germline.
Comment: This variant is classified as likely benign based on ACMG/AMP sequence variant interpretation guidelines (Richards et al. 2015 PMID: 25741868, with internal and published modifications).

Blueprint Genetics
Classification: Likely benign. Last evaluated: 2024-11-19. Review status: criteria provided, single submitter. Criteria: ACMG Guidelines, 2015. Collection method: clinical testing. Allele origin: germline.